The following is an entry in ClinVar:

ClinVar aggregate classification (germline): Benign/Likely benign. Review status: criteria provided, multiple submitters, no conflicts (2 of 4 stars). 2 submissions from 2 submitters: Benign (1); Likely benign (1). Last evaluated 2024-09-19.

Conditions:
Hereditary diffuse gastric adenocarcinoma (HDGC). Also called: DIFFUSE GASTRIC AND LOBULAR BREAST CANCER SYNDROME. Identifiers: Orphanet 26106, MedGen C1708349, MONDO:0007648, OMIM 137215.

Submissions (2):

Myriad Genetics, Inc.
Classification: Benign for Hereditary diffuse gastric adenocarcinoma. Last evaluated: 2024-09-19. Review status: criteria provided, single submitter. Criteria: Myriad Autosomal Dominant, Autosomal Recessive and X-Linked Classification Criteria (2023). Collection method: clinical testing. Allele origin: unknown.
Comment: This variant is considered benign. This variant is a silent/synonymous amino acid change and it is not expected to impact splicing.

Labcorp Genetics (formerly Invitae), Labcorp
Classification: Likely benign for Hereditary diffuse gastric adenocarcinoma. Last evaluated: 2024-07-13. Review status: criteria provided, single submitter. Criteria: Invitae Variant Classification Sherloc (09022015). Collection method: clinical testing. Allele origin: germline.

NM_004360.5(CDH1):c.1752C>A (p.Ile584=)

Gene: CDH1 (cadherin 1; plus strand). Cytogenetic location: 16q22.1.
Variant type: single nucleotide variant.
Coding change: c.1752C>A on transcript NM_004360.5 (MANE Select); coding-DNA position 1752, C replaced by A.
Protein change: p.Ile584=; no amino-acid change (isoleucine 584 retained).
Molecular consequence: synonymous variant. On other transcripts: 5 prime UTR variant (1).
Genome position (GRCh38, 1-based): chr16:68,822,041, C>A. VCF-style: chr16-68822041-C-A. GRCh37 (hg19) VCF-style: chr16-68855944-C-A.
Other names: c.1569C>A, p.Ile523= (NM_001317184.2); c.204C>A, p.Ile68= (NM_001317185.2); c.-214C>A (NM_001317186.2).
Identifiers: ClinVar variation 3379009 (VCV003379009.3).